The following is an entry in ClinVar:

ClinVar aggregate classification (germline): Uncertain significance. Review status: criteria provided, multiple submitters, no conflicts (2 of 4 stars). 2 submissions from 2 submitters: Uncertain significance (2). Last evaluated 2025-09-15.

Conditions:
Hereditary cancer-predisposing syndrome. Also called: Hereditary neoplastic syndrome; Neoplastic Syndromes, Hereditary; Tumor predisposition; Hereditary Cancer Syndrome. Identifiers: Orphanet 140162, MedGen C0027672, MeSH D009386, MONDO:0015356.
Microcephaly, normal intelligence and immunodeficiency (NBS). Also called: BERLIN BREAKAGE SYNDROME; Immunodeficiency, microcephaly with normal intelligence; SEEMANOVA SYNDROME II; Nijmegen breakage syndrome; Microcephaly with normal intelligence immunodeficiency and lymphoreticular malignancies; Nonsyndromal microcephaly autosomal recessive with normal intelligence. Identifiers: Orphanet 647, MedGen C0398791, MONDO:0009623, OMIM 251260.

Allele frequency attached by ClinVar (database versions not stated): gnomAD exomes below 0.00001; TOPMed below 0.00001; ExAC 0.00001; gnomAD 0.00001.
gnomAD v4.1: 3 of 1,613,526 alleles (0.00019%); highest among the groups gnomAD compares: Admixed American, 0.0017%; no homozygotes.

Submissions (2):

Labcorp Genetics (formerly Invitae), Labcorp
Classification: Uncertain significance for Microcephaly, normal intelligence and immunodeficiency. Last evaluated: 2025-09-15. Review status: criteria provided, single submitter. Criteria: Invitae Variant Classification Sherloc (09022015). Collection method: clinical testing. Allele origin: germline.
Comment: This sequence change replaces tryptophan, which is neutral and slightly polar, with arginine, which is basic and polar, at codon 143 of the NBN protein (p.Trp143Arg). The frequency data for this variant in the population databases is considered unreliable, as metrics indicate poor data quality at this position in the gnomAD database. This variant has not been reported in the literature in individuals affected with NBN-related conditions. ClinVar contains an entry for this variant (Variation ID: 1002234). An algorithm developed to predict the effect of missense changes on protein structure and function (PolyPhen-2) suggests that this variant is likely to be disruptive. In summary, the available evidence is currently insufficient to determine the role of this variant in disease. Therefore, it has been classified as a Variant of Uncertain Significance.

Ambry Genetics
Classification: Uncertain significance for Hereditary cancer-predisposing syndrome. Last evaluated: 2022-05-11. Review status: criteria provided, single submitter. Criteria: Ambry Variant Classification Scheme 2023. Collection method: clinical testing. Allele origin: germline.
Comment: The p.W143R variant (also known as c.427T>C), located in coding exon 4 of the NBN gene, results from a T to C substitution at nucleotide position 427. The tryptophan at codon 143 is replaced by arginine, an amino acid with dissimilar properties. This amino acid position is conserved. In addition, this alteration is predicted to be deleterious by in silico analysis. Since supporting evidence is limited at this time, the clinical significance of this alteration remains unclear.

NM_002485.5(NBN):c.427T>C (p.Trp143Arg)

Gene: NBN (nibrin; minus strand). Cytogenetic location: 8q21.3.
Variant type: single nucleotide variant.
Coding change: c.427T>C on transcript NM_002485.5 (MANE Select); coding-DNA position 427, T replaced by C.
Protein change: p.Trp143Arg; replaces tryptophan 143 with arginine.
Molecular consequence: missense variant.
Genome position (GRCh38, 1-based): chr8:89,980,787, A>G on the plus strand (T>C on the coding strand, the complement: NBN is on the minus strand). VCF-style: chr8-89980787-A-G. GRCh37 (hg19) VCF-style: chr8-90993015-A-G.
Other names: c.181T>C, p.Trp61Arg (NM_001024688.3); short protein forms W143R, W61R.
Identifiers: ClinVar variation 1002234 (VCV001002234.11), dbSNP rs770995856, ClinGen allele CA4802982.